The following is an entry in ClinVar:

ClinVar aggregate classification (germline): Likely benign (1 of 4 stars; one submission).

Allele frequency attached by ClinVar (database versions not stated): TOPMed below 0.00001.

Submission:

CeGaT Center for Human Genetics Tuebingen
Classification: Likely benign. Last evaluated: 2023-02-01. Review status: criteria provided, single submitter. Criteria: CeGaT Center For Human Genetics Tuebingen Variant Classification Criteria Version 2. Collection method: clinical testing. Allele origin: germline. Affected: yes. Observed: 1 variant allele.
Comment: PRG4: PM2:Supporting, BP4, BP7

NM_005807.6(PRG4):c.996A>G (p.Thr332=)

Gene: PRG4 (proteoglycan 4; plus strand). Cytogenetic location: 1q31.1.
Variant type: single nucleotide variant.
Coding change: c.996A>G on transcript NM_005807.6 (MANE Select); coding-DNA position 996, A replaced by G.
Protein change: p.Thr332=; no amino-acid change (threonine 332 retained).
Molecular consequence: synonymous variant.
Genome position (GRCh38, 1-based): chr1:186,306,715, A>G. VCF-style: chr1-186306715-A-G. GRCh37 (hg19) VCF-style: chr1-186275847-A-G.
Other names: c.873A>G, p.Thr291= (NM_001127708.3); c.717A>G, p.Thr239= (NM_001127709.3); c.594A>G, p.Thr198= (NM_001127710.3); c.867A>G, p.Thr289= (NM_001303232.2).
Identifiers: ClinVar variation 2639652 (VCV002639652.24), dbSNP rs763444356, ClinGen allele CA422516126.